The following is an entry in ClinVar:

ClinVar aggregate classification (germline): Conflicting classifications of pathogenicity. Review status: criteria provided, conflicting classifications (1 of 4 stars). 11 submissions from 11 submitters: Uncertain significance (6); Benign (1); Likely benign (2). 2 of the submissions do not count toward it. Last evaluated 2025-12-08.

Conditions:
Breast and/or ovarian cancer. Identifiers: MedGen CN221562.
Hereditary cancer-predisposing syndrome. Also called: Neoplastic Syndromes, Hereditary; Hereditary Cancer Syndrome; Hereditary neoplastic syndrome; Tumor predisposition. Identifiers: Orphanet 140162, MedGen C0027672, MeSH D009386, MONDO:0015356.
Familial cancer of breast. Also called: Hereditary breast cancer; hereditary breast carcinoma; BREAST CANCER, FAMILIAL. Identifiers: Orphanet 227535, MedGen C0346153, MONDO:0016419, OMIM 114480. Disease mechanism: loss of function.
Pancreatic cancer, susceptibility to, 3. Identifiers: Orphanet 1333, MedGen C3150547, MONDO:0013236, OMIM 613348.
Fanconi anemia complementation group N. Also called: PALB2-Related Fanconi Anemia. Identifiers: Orphanet 84, MedGen C1835817, MONDO:0012565, OMIM 610832. Disease mechanism: loss of function.

Allele frequency attached by ClinVar (database versions not stated): TOPMed 0.00001; gnomAD exomes 0.00001 and 0.00002; ExAC 0.00003; gnomAD 0.00003.
gnomAD v4.1: 19 of 1,613,972 alleles (0.0012%); highest among the groups gnomAD compares: African/African-American, 0.004%; no homozygotes.

Submissions (11):

Labcorp Genetics (formerly Invitae), Labcorp
Classification: Uncertain significance for Familial cancer of breast. Last evaluated: 2025-12-08. Review status: criteria provided, single submitter. Criteria: Invitae Variant Classification Sherloc (09022015). Collection method: clinical testing. Allele origin: germline.
Comment: This sequence change replaces aspartic acid, which is acidic and polar, with asparagine, which is neutral and polar, at codon 586 of the PALB2 protein (p.Asp586Asn). This variant is present in population databases (rs587781954, gnomAD 0.004%). This variant has not been reported in the literature in individuals affected with PALB2-related conditions. ClinVar contains an entry for this variant (Variation ID: 141709). Invitae Evidence Modeling of protein sequence and biophysical properties (such as structural, functional, and spatial information, amino acid conservation, physicochemical variation, residue mobility, and thermodynamic stability) indicates that this missense variant is not expected to disrupt PALB2 protein function with a negative predictive value of 80%. In summary, the available evidence is currently insufficient to determine the role of this variant in disease. Therefore, it has been classified as a Variant of Uncertain Significance.

Women's Health and Genetics/Laboratory Corporation of America, LabCorp
Classification: Uncertain significance. Last evaluated: 2025-07-29. Review status: criteria provided, single submitter. Criteria: LabCorp Variant Classification Summary - May 2015. Collection method: clinical testing. Allele origin: germline.
Comment: Variant summary: PALB2 c.1756G>A (p.Asp586Asn) results in a conservative amino acid change in the encoded protein sequence. Algorithms developed to predict the effect of missense changes on protein structure and function all suggest that this variant is likely to be tolerated. The variant allele was found at a frequency of 1.6e-05 in 250778 control chromosomes. The available data on variant occurrences in the general population are insufficient to allow any conclusion about variant significance. c.1756G>A has been observed in at least one female diagnosed with breast cancer in her fifties (example: Tung_2015). This report does not provide unequivocal conclusions about association of the variant with Hereditary Breast And Ovarian Cancer Syndrome. To our knowledge, no experimental evidence demonstrating an impact on protein function has been reported. The following publication has been ascertained in the context of this evaluation (PMID: 25186627). ClinVar contains an entry for this variant (Variation ID: 141709). Based on the evidence outlined above, the variant was classified as uncertain significance.

Baylor Genetics
Classification: Uncertain significance for Familial cancer of breast. Last evaluated: 2024-03-14. Review status: criteria provided, single submitter. Criteria: ACMG Guidelines, 2015. Collection method: clinical testing. Allele origin: unknown.

Ambry Genetics
Classification: Likely benign for Hereditary cancer-predisposing syndrome. Last evaluated: 2024-03-13. Review status: criteria provided, single submitter. Criteria: Ambry Variant Classification Scheme 2023. Collection method: clinical testing. Allele origin: germline.

GeneDx
Classification: Uncertain significance. Last evaluated: 2023-11-09. Review status: criteria provided, single submitter. Criteria: GeneDx Variant Classification Process June 2021. Collection method: clinical testing. Allele origin: germline. Affected: yes.
Comment: Not observed at significant frequency in large population cohorts (gnomAD); In silico analysis supports that this missense variant does not alter protein structure/function; Observed in at least one individual with breast cancer (PMID: 25186627); This variant is associated with the following publications: (PMID: 25186627)

Myriad Genetics, Inc.
Classification: Benign for Familial cancer of breast. Last evaluated: 2023-03-31. Review status: criteria provided, single submitter. Criteria: Myriad Autosomal Dominant, Autosomal Recessive and X-Linked Classification Criteria (2023). Collection method: clinical testing. Allele origin: unknown.
Comment: This variant is considered benign. This variant has been observed in trans with a known pathogenic variant in one or more individuals lacking clinical features consistent with gene-specific recessive disease. This variant is strongly associated with less severe personal and family histories of cancer, typical for individuals without pathogenic variants in this gene [PMID: 25085752].

CHEO Genetics Diagnostic Laboratory, Children's Hospital of Eastern Ontario
Classification: Uncertain significance for Breast and/or ovarian cancer. Last evaluated: 2020-03-20. Review status: criteria provided, single submitter. Criteria: ACMG Guidelines, 2015. Collection method: clinical testing. Allele origin: germline.

Fulgent Genetics
Classification: Uncertain significance for Familial cancer of breast; Fanconi anemia complementation group N; Pancreatic cancer, susceptibility to, 3. Last evaluated: 2018-10-31. Review status: criteria provided, single submitter. Criteria: ACMG Guidelines, 2015. Collection method: clinical testing. Allele origin: unknown.

Color Diagnostics, LLC DBA Color Health
Classification: Likely benign for Hereditary cancer-predisposing syndrome. Last evaluated: 2015-06-03. Review status: criteria provided, single submitter. Criteria: ACMG Guidelines, 2015. Collection method: clinical testing. Allele origin: germline.

Leiden Open Variation Database
Classification: Uncertain significance for Familial cancer of breast. Last evaluated: 2019-05-13. Review status: no assertion criteria provided. Collection method: curation. Allele origin: germline. Affected: yes. Not counted in ClinVar's aggregate classification.
Comment: Curators: Marc Tischkowitz, Arleen D. Auerbach. Submitter to LOVD: Marc Tischkowitz.

Counsyl
Classification: Uncertain significance for Familial cancer of breast. Last evaluated: 2016-07-29. Review status: no assertion criteria provided. Collection method: clinical testing. Allele origin: unknown. Not counted in ClinVar's aggregate classification.

Literature cited by the submitters: PubMed 25186627 (cited by 4 submitters); PubMed 25085752 (cited by Myriad Genetics, Inc.).

NM_024675.4(PALB2):c.1756G>A (p.Asp586Asn)

Gene: PALB2 (partner and localizer of BRCA2; minus strand). Cytogenetic location: 16p12.2.
Variant type: single nucleotide variant.
Coding change: c.1756G>A on transcript NM_024675.4 (MANE Select); coding-DNA position 1756, G replaced by A.
Protein change: p.Asp586Asn; replaces aspartic acid 586 with asparagine.
Molecular consequence: missense variant.
Genome position (GRCh38, 1-based): chr16:23,630,398, C>T on the plus strand (G>A on the coding strand, the complement: PALB2 is on the minus strand). VCF-style: chr16-23630398-C-T. GRCh37 (hg19) VCF-style: chr16-23641719-C-T.
Other names: short protein forms D586N.
Identifiers: ClinVar variation 141709 (VCV000141709.34), dbSNP rs587781954, ClinGen allele CA166193.